The following is an entry in ClinVar:

NM_012203.2(GRHPR):c.160G>C (p.Gly54Arg)

Gene: GRHPR (glyoxylate and hydroxypyruvate reductase; plus strand). Cytogenetic location: 9p13.2.
Variant type: single nucleotide variant.
Coding change: c.160G>C on transcript NM_012203.2 (MANE Select); coding-DNA position 160, G replaced by C.
Protein change: p.Gly54Arg; replaces glycine 54 with arginine.
Molecular consequence: missense variant.
Genome position (GRCh38, 1-based): chr9:37,424,921, G>C. VCF-style: chr9-37424921-G-C. GRCh37 (hg19) VCF-style: chr9-37424918-G-C.
Other names: short protein forms G54R.
Identifiers: ClinVar variation 2850973 (VCV002850973.3), dbSNP rs756085471, ClinGen allele CA373441548.
Genomic context (GRCh38, chr9:37,424,921, plus strand): 5'-TGGGACTCGGATGAGCCCATCCCTGCCAAGGAGCTAGAGCGAGGTGTGGCGGGGGCCCAC[G>C]GCCTGCTCTGCCTCCTCTCCGACCACGTGGACAAGAGGATCCTGGATGCTGCAGGTGCAC-3'
Protein context (NP_036335.1, residues 44-64): ELERGVAGAH[Gly54Arg]LLCLLSDHVD

ClinVar aggregate classification (germline): Uncertain significance (1 of 4 stars; one submission).

gnomAD v4.1: 1 of 1,611,572 alleles (0.000062%); highest among the groups gnomAD compares: East Asian, 0.0022%; no homozygotes.

Submission:

Labcorp Genetics (formerly Invitae), Labcorp
Classification: Uncertain significance. Last evaluated: 2023-03-30. Review status: criteria provided, single submitter. Criteria: Invitae Variant Classification Sherloc (09022015). Collection method: clinical testing. Allele origin: germline.
Comment: In summary, the available evidence is currently insufficient to determine the role of this variant in disease. Therefore, it has been classified as a Variant of Uncertain Significance. Advanced modeling of protein sequence and biophysical properties (such as structural, functional, and spatial information, amino acid conservation, physicochemical variation, residue mobility, and thermodynamic stability) performed at Invitae indicates that this missense variant is expected to disrupt GRHPR protein function. This variant has not been reported in the literature in individuals affected with GRHPR-related conditions. This variant is present in population databases (no rsID available, gnomAD 0.006%). This sequence change replaces glycine, which is neutral and non-polar, with arginine, which is basic and polar, at codon 54 of the GRHPR protein (p.Gly54Arg).